The following is an entry in ClinVar:

NM_001199237.1(GPANK1):c.-263+365_-263+369del

Gene: GPANK1 (G-patch domain and ankyrin repeats 1; minus strand). Cytogenetic location: 6p21.33.
Variant type: Deletion.
Coding change: c.-263+365_-263+369del on transcript NM_001199237.1; bases 365 to 369 of the intron after 263 bases upstream of the start codon, 5 bases deleted (AACCT; older notation c.-263+365_-263+369delAACCT).
Molecular consequence: intron variant.
Genome position (GRCh38, 1-based): chr6:31,665,492-31,665,496, AGGTT deleted on the plus strand (AACCT on the coding strand, the reverse complement: GPANK1 is on the minus strand); deleting any 5 consecutive bases within chr6:31,665,492-31,665,498 gives the same sequence; the c. name uses the placement nearest the transcript's 3' end. VCF-style (leftmost placement, unchanged base first): chr6-31665491-CAGGTT-C. GRCh37 (hg19) VCF-style: chr6-31633268-CAGGTT-C.
Other names: c.-263+78_-263+82del (NM_001199239.1); c.-266+78_-266+82del (NM_001199238.1); c.-266+63_-266+67del (NM_001199240.1).
Identifiers: ClinVar variation 3905234 (VCV003905234.10).
Genomic context (GRCh38, chr6:31,665,491, plus strand): 5'-TTAGAGCCTAAGGGGAAATGGAGAAGTGCAAAGGGACGAGCAGAATGGCTGGCACCACCT[CAGGTT>C]AGCGCACTGGGACGTTCCAGTTCTCACACCGCCCACCCCACCCCACCCAAGTCCCTACGC-3'

ClinVar aggregate classification (germline): Likely benign (1 of 4 stars; one submission).

Submission:

CeGaT Center for Human Genetics Tuebingen
Classification: Likely benign. Last evaluated: 2026-06-01. Review status: criteria provided, single submitter. Criteria: CeGaT Center For Human Genetics Tuebingen Variant Classification Criteria Version 2. Collection method: clinical testing. Allele origin: germline. Affected: yes. Observed: 2 variant alleles.
Comment: GPANK1: BS2